The following is an entry in ClinVar:

NM_000222.3(KIT):c.1119C>T (p.Tyr373=)

Gene: KIT (KIT proto-oncogene, receptor tyrosine kinase; plus strand). Cytogenetic location: 4q12.
Variant type: single nucleotide variant.
Coding change: c.1119C>T on transcript NM_000222.3 (MANE Select); coding-DNA position 1119, C replaced by T.
Protein change: p.Tyr373=; no amino-acid change (tyrosine 373 retained).
Molecular consequence: synonymous variant.
Genome position (GRCh38, 1-based): chr4:54,709,427, C>T. VCF-style: chr4-54709427-C-T. GRCh37 (hg19) VCF-style: chr4-55575593-C-T.
Other names: p.Tyr373=; c.1119C>T, p.Tyr373= (NM_001093772.2, NM_001385285.1, NM_001385286.1); c.1122C>T, p.Tyr374= (NM_001385284.1, NM_001385288.1, NM_001385290.1 and 1 more transcripts).
Identifiers: ClinVar variation 221149 (VCV000221149.30), dbSNP rs72549293, ClinGen allele CA349152.

ClinVar aggregate classification (germline): Benign/Likely benign. Review status: criteria provided, multiple submitters, no conflicts (2 of 4 stars). 13 submissions from 11 submitters: Benign (10); Likely benign (3). Last evaluated 2026-06-03.

Conditions:
Hereditary cancer-predisposing syndrome. Also called: Neoplastic Syndromes, Hereditary; Hereditary Cancer Syndrome; Tumor predisposition; Hereditary neoplastic syndrome. Identifiers: Orphanet 140162, MedGen C0027672, MeSH D009386, MONDO:0015356.
Gastrointestinal stromal tumor. Also called: Gastrointestinal stromal tumor, somatic; Gastrointestinal stroma tumor. Identifiers: Orphanet 44890, MedGen C0238198, MeSH D046152, MONDO:0011719, OMIM 606764, HP:0100723.
Mastocytosis. Also called: Mast Cell Disease. Identifiers: Orphanet 98292, MedGen C0024899, MONDO:0007950, HP:0100495.
Piebaldism. Also called: Piebald skin depigmentation. Identifiers: Orphanet 2884, MedGen C0080024, MONDO:0008244, OMIM 172800, HP:0007544.

Allele frequency attached by ClinVar (database versions not stated): gnomAD 0.00903 and 0.00964; TOPMed 0.01016; ESP Exome Variant Server 0.01146; gnomAD exomes 0.00079 and 0.00222; ExAC 0.00279; 1000 Genomes Project 0.00699; 1000 Genomes Project 30x 0.00734.
gnomAD v4.1: 2,605 of 1,599,098 alleles (0.16%); highest among the groups gnomAD compares: African/African-American, 3%; 39 homozygotes.

Submissions (13):

Myriad Genetics, Inc.
Classification: Benign for Gastrointestinal stromal tumor. Last evaluated: 2026-06-03. Review status: criteria provided, single submitter. Criteria: Myriad Autosomal Dominant, Autosomal Recessive and X-Linked Classification Criteria (2023). Collection method: clinical testing. Allele origin: unknown.
Comment: This variant is considered benign. This variant is a silent/synonymous amino acid change and it is not expected to impact splicing.

CeGaT Center for Human Genetics Tuebingen
Classification: Benign. Last evaluated: 2026-03-01. Review status: criteria provided, single submitter. Criteria: CeGaT Center For Human Genetics Tuebingen Variant Classification Criteria Version 2. Collection method: clinical testing. Allele origin: germline. Affected: yes. Observed: 1 variant allele.
Comment: KIT: BP4, BP7, BS1, BS2

Labcorp Genetics (formerly Invitae), Labcorp
Classification: Benign for Gastrointestinal stromal tumor. Last evaluated: 2026-02-04. Review status: criteria provided, single submitter. Criteria: Invitae Variant Classification Sherloc (09022015). Collection method: clinical testing. Allele origin: germline.

Mayo Clinic Laboratories, Mayo Clinic
Classification: Likely benign. Last evaluated: 2025-10-02. Review status: criteria provided, single submitter. Criteria: ACMG Guidelines, 2015. Collection method: clinical testing. Allele origin: germline. Observed: 2 variant alleles.
Comment: BS1, BP4, BP7

Blueprint Genetics
Classification: Benign. Last evaluated: 2024-11-14. Review status: criteria provided, single submitter. Criteria: ACMG Guidelines, 2015. Collection method: clinical testing. Allele origin: germline.

ARUP Laboratories, Molecular Genetics and Genomics, ARUP Laboratories
Classification: Benign. Last evaluated: 2024-05-28. Review status: criteria provided, single submitter. Criteria: ARUP Molecular Germline Variant Investigation Process 2024. Collection method: clinical testing. Allele origin: germline.

KCCC/NGS Laboratory, Kuwait Cancer Control Center
Classification: Benign for Gastrointestinal stromal tumor. Last evaluated: 2023-07-07. Review status: criteria provided, single submitter. Criteria: ACMG Guidelines, 2015. Collection method: clinical testing. Allele origin: germline. Affected: yes.

Ambry Genetics
Classification: Benign for Hereditary cancer-predisposing syndrome. Last evaluated: 2019-05-09. Review status: criteria provided, single submitter. Criteria: Ambry Variant Classification Scheme 2023. Collection method: clinical testing. Allele origin: germline.

Illumina Laboratory Services, Illumina
Classification: Likely benign for Piebaldism. Last evaluated: 2018-01-13. Review status: criteria provided, single submitter. Criteria: ICSL Variant Classification Criteria 13 December 2019. Collection method: clinical testing. Allele origin: germline.
Comment: This variant was observed in the ICSL laboratory as part of a predisposition screen in an ostensibly healthy population. It had not been previously curated by ICSL or reported in the Human Gene Mutation Database (HGMD: prior to June 1st, 2018), and was therefore a candidate for classification through an automated scoring system. Utilizing variant allele frequency, disease prevalence and penetrance estimates, and inheritance mode, an automated score was calculated to assess if this variant is too frequent to cause the disease. Based on the score and internal cut-off values, a variant classified as likely benign is not then subjected to further curation. The score for this variant resulted in a classification of likely benign for this disease.

Illumina Laboratory Services, Illumina
Classification: Benign for Gastrointestinal stromal tumor. Last evaluated: 2018-01-13. Review status: criteria provided, single submitter. Criteria: ICSL Variant Classification Criteria 13 December 2019. Collection method: clinical testing. Allele origin: germline.
Comment: This variant was observed in the ICSL laboratory as part of a predisposition screen in an ostensibly healthy population. It had not been previously curated by ICSL or reported in the Human Gene Mutation Database (HGMD: prior to June 1st, 2018), and was therefore a candidate for classification through an automated scoring system. Utilizing variant allele frequency, disease prevalence and penetrance estimates, and inheritance mode, an automated score was calculated to assess if this variant is too frequent to cause the disease. Based on the score and internal cut-off values, a variant classified as benign is not then subjected to further curation. The score for this variant resulted in a classification of benign for this disease.

Illumina Laboratory Services, Illumina
Classification: Benign for Cutaneous mastocytosis. Last evaluated: 2018-01-13. Review status: criteria provided, single submitter. Criteria: ICSL Variant Classification Criteria 13 December 2019. Collection method: clinical testing. Allele origin: germline.
Comment: the same text as in the submission from Illumina Laboratory Services, Illumina above.

Breakthrough Genomics
Classification: Likely benign. Review status: criteria provided, single submitter. Criteria: ACMG Guidelines, 2015. Collection method: not provided. Allele origin: germline. Inheritance: Autosomal dominant inheritance. Affected: yes.

PreventionGenetics, part of Exact Sciences
Classification: Benign. Review status: criteria provided, single submitter. Criteria: ACMG Guidelines, 2015. Collection method: clinical testing. Allele origin: germline.